The following is an entry in ClinVar:

NM_178857.6(RP1L1):c.751G>T (p.Gly251Trp)

Gene: RP1L1 (RP1 like 1). Cytogenetic location: 8p23.1.
Variant type: single nucleotide variant.
Coding change: c.751G>T on transcript NM_178857.6 (MANE Select); coding-DNA position 751, G replaced by T.
Protein change: p.Gly251Trp; replaces glycine 251 with tryptophan.
Molecular consequence: missense variant.
Genome position (GRCh38, 1-based): chr8:10,616,446, C>A on the plus strand (G>T on the coding strand, the complement: RP1L1 is on the minus strand). VCF-style: chr8-10616446-C-A. GRCh37 (hg19) VCF-style: chr8-10473956-C-A.
Other names: short protein forms G251W.
Identifiers: ClinVar variation 3614786 (VCV003614786.3).

ClinVar aggregate classification (germline): Uncertain significance. Review status: criteria provided, multiple submitters, no conflicts (2 of 4 stars). 2 submissions from 2 submitters: Uncertain significance (2). Last evaluated 2024-02-25.

gnomAD v4.1: 53 of 1,614,092 alleles (0.0033%); highest among the groups gnomAD compares: Non-Finnish European, 0.0042%; no homozygotes.

Submissions (2):

Labcorp Genetics (formerly Invitae), Labcorp
Classification: Uncertain significance. Last evaluated: 2024-02-25. Review status: criteria provided, single submitter. Criteria: Invitae Variant Classification Sherloc (09022015). Collection method: clinical testing. Allele origin: germline.
Comment: This sequence change replaces glycine, which is neutral and non-polar, with tryptophan, which is neutral and slightly polar, at codon 251 of the RP1L1 protein (p.Gly251Trp). This variant also falls at the last nucleotide of exon 3, which is part of the consensus splice site for this exon. This variant is present in population databases (rs201120801, gnomAD 0.002%). This variant has not been reported in the literature in individuals affected with RP1L1-related conditions. An algorithm developed to predict the effect of missense changes on protein structure and function (PolyPhen-2) suggests that this variant is likely to be disruptive. Variants that disrupt the consensus splice site are a relatively common cause of aberrant splicing (PMID: 17576681, 9536098). In summary, the available evidence is currently insufficient to determine the role of this variant in disease. Therefore, it has been classified as a Variant of Uncertain Significance.

Blueprint Genetics
Classification: Uncertain significance. Last evaluated: 2020-05-05. Review status: criteria provided, single submitter. Criteria: ACMG Guidelines, 2015. Collection method: clinical testing. Allele origin: germline.

Literature cited by the submitters: PubMed 17576681 (cited by Labcorp Genetics (formerly Invitae), Labcorp); PubMed 9536098 (cited by Labcorp Genetics (formerly Invitae), Labcorp).